The following is an entry in ClinVar:

ClinVar aggregate classification (germline): Likely pathogenic (1 of 4 stars; one submission).

Conditions:
Hypercalcemia, infantile, 1 (HCINF1). Identifiers: Orphanet 300547, MedGen CN031131, MONDO:0020739, OMIM 143880.

gnomAD v4.1: 4 of 1,614,060 alleles (0.00025%); highest among the groups gnomAD compares: Non-Finnish European, 0.00025%; no homozygotes.

Submission:

Juno Genomics, Hangzhou Juno Genomics, Inc
Classification: Likely pathogenic for Hypercalcemia, infantile, 1. Review status: criteria provided, single submitter. Criteria: ACMG Guidelines, 2015. Collection method: clinical testing. Allele origin: germline.
Comment: Absent from controls (or at extremely low frequency if recessive) in Genome Aggregation Database.;Multiple lines of computational evidence support a deleterious effect on the gene or gene product.;Co-segregation with disease in multiple affected family members.;For recessive disorders, detected in trans with a pathogenic variant.;Patient's phenotype or family history is highly specific for a disease with a single genetic etiology.

NM_000782.5(CYP24A1):c.823T>C (p.Trp275Arg)

Gene: CYP24A1 (cytochrome P450 family 24 subfamily A member 1; minus strand). Cytogenetic location: 20q13.2.
Variant type: single nucleotide variant.
Coding change: c.823T>C on transcript NM_000782.5 (MANE Select); coding-DNA position 823, T replaced by C.
Protein change: p.Trp275Arg; replaces tryptophan 275 with arginine.
Molecular consequence: missense variant.
Genome position (GRCh38, 1-based): chr20:54,164,473, A>G on the plus strand (T>C on the coding strand, the complement: CYP24A1 is on the minus strand). VCF-style: chr20-54164473-A-G. GRCh37 (hg19) VCF-style: chr20-52781012-A-G.
Other names: c.823T>C, p.Trp275Arg (NM_001128915.2, NM_001424340.1, NM_001424341.1 and 2 more transcripts); short protein forms W275R.
Identifiers: ClinVar variation 5019572 (VCV005019572.2).